The following is an entry in ClinVar:

ClinVar aggregate classification (germline): Uncertain significance (1 of 4 stars; one submission).

Conditions:
Holoprosencephaly 11 (HPE11). Identifiers: Orphanet 2162, MedGen C3280215, MONDO:0013642, OMIM 614226.

Submission:

Centre for Mendelian Genomics, University Medical Centre Ljubljana
Classification: Uncertain significance for Holoprosencephaly 11. Last evaluated: 2019-08-14. Review status: criteria provided, single submitter. Criteria: ACMG Guidelines, 2015. Collection method: clinical testing. Allele origin: unknown. Affected: yes.
Comment: This variant was classified as: Uncertain significance. The available evidence on this variant's pathogenicity is insufficient or conflicting. The following ACMG criteria were applied in classifying this variant: PM2.

NM_001378964.1(CDON):c.3389G>A (p.Ser1130Asn)

Gene: CDON (cell adhesion associated, oncogene regulated; minus strand). Cytogenetic location: 11q24.2.
Variant type: single nucleotide variant.
Coding change: c.3389G>A on transcript NM_001378964.1 (MANE Select); coding-DNA position 3389, G replaced by A.
Protein change: p.Ser1130Asn; replaces serine 1130 with asparagine.
Molecular consequence: missense variant.
Genome position (GRCh38, 1-based): chr11:125,961,966, C>T on the plus strand (G>A on the coding strand, the complement: CDON is on the minus strand). VCF-style: chr11-125961966-C-T. GRCh37 (hg19) VCF-style: chr11-125831861-C-T.
Other names: c.3389G>A, p.Ser1130Asn (NM_001243597.3, NM_016952.6); short protein forms S1130N.
Identifiers: ClinVar variation 931554 (VCV000931554.3), dbSNP rs1945658522, ClinGen allele CA383213607.